The following is an entry in ClinVar:

ClinVar aggregate classification (germline): Uncertain significance (1 of 4 stars; one submission).

gnomAD v4.1: 4 of 1,591,988 alleles (0.00025%); highest among the groups gnomAD compares: Admixed American, 0.0033%; no homozygotes.

Submission:

Labcorp Genetics (formerly Invitae), Labcorp
Classification: Uncertain significance. Last evaluated: 2025-04-05. Review status: criteria provided, single submitter. Criteria: Invitae Variant Classification Sherloc (09022015). Collection method: clinical testing. Allele origin: germline.
Comment: This sequence change replaces valine, which is neutral and non-polar, with phenylalanine, which is neutral and non-polar, at codon 889 of the MYO3A protein (p.Val889Phe). This variant is present in population databases (no rsID available, gnomAD 0.003%). This variant has not been reported in the literature in individuals affected with MYO3A-related conditions. An algorithm developed to predict the effect of missense changes on protein structure and function (PolyPhen-2) suggests that this variant is likely to be tolerated. In summary, the available evidence is currently insufficient to determine the role of this variant in disease. Therefore, it has been classified as a Variant of Uncertain Significance.

NM_017433.5(MYO3A):c.2665G>T (p.Val889Phe)

Gene: MYO3A (myosin IIIA; plus strand). Cytogenetic location: 10p12.1.
Variant type: single nucleotide variant.
Coding change: c.2665G>T on transcript NM_017433.5 (MANE Select); coding-DNA position 2665, G replaced by T.
Protein change: p.Val889Phe; replaces valine 889 with phenylalanine.
Molecular consequence: missense variant.
Genome position (GRCh38, 1-based): chr10:26,153,879, G>T. VCF-style: chr10-26153879-G-T. GRCh37 (hg19) VCF-style: chr10-26442808-G-T.
Other names: short protein forms V889F.
Identifiers: ClinVar variation 4767917 (VCV004767917.1).